The following is an entry in ClinVar:

NM_032383.5(HPS3):c.1547A>G (p.Gln516Arg)

Gene: HPS3 (HPS3 biogenesis of lysosomal organelles complex 2 subunit 1; plus strand). Cytogenetic location: 3q24.
Variant type: single nucleotide variant.
Coding change: c.1547A>G on transcript NM_032383.5 (MANE Select); coding-DNA position 1547, A replaced by G.
Protein change: p.Gln516Arg; replaces glutamine 516 with arginine.
Molecular consequence: missense variant.
Genome position (GRCh38, 1-based): chr3:149,157,387, A>G. VCF-style: chr3-149157387-A-G. GRCh37 (hg19) VCF-style: chr3-148875174-A-G.
Other names: c.1052A>G, p.Gln351Arg (NM_001308258.2); short protein forms Q516R, Q351R.
Identifiers: ClinVar variation 1481978 (VCV001481978.3), dbSNP rs2108158546, ClinGen allele CA354921379.

ClinVar aggregate classification (germline): Uncertain significance (1 of 4 stars; one submission).

Allele frequency attached by ClinVar (database versions not stated): gnomAD exomes below 0.00001.
gnomAD v4.1: 1 of 1,613,916 alleles (0.000062%); highest among the groups gnomAD compares: Non-Finnish European, 0.000085%; no homozygotes.

Submission:

Labcorp Genetics (formerly Invitae), Labcorp
Classification: Uncertain significance. Last evaluated: 2021-09-16. Review status: criteria provided, single submitter. Criteria: Invitae Variant Classification Sherloc (09022015). Collection method: clinical testing. Allele origin: germline.
Comment: This sequence change replaces glutamine with arginine at codon 516 of the HPS3 protein (p.Gln516Arg). The glutamine residue is weakly conserved and there is a small physicochemical difference between glutamine and arginine. This variant is not present in population databases (ExAC no frequency). This variant has not been reported in the literature in individuals affected with HPS3-related conditions. Algorithms developed to predict the effect of missense changes on protein structure and function are either unavailable or do not agree on the potential impact of this missense change (SIFT: "Tolerated"; PolyPhen-2: "Possibly Damaging"; Align-GVGD: "Class C0"). In summary, the available evidence is currently insufficient to determine the role of this variant in disease. Therefore, it has been classified as a Variant of Uncertain Significance.